The following is an entry in ClinVar:

NM_001164508.2(NEB):c.21457T>G (p.Phe7153Val)

Genes: NEB (nebulin; minus strand), RIF1 (replication timing regulatory factor 1; plus strand). Cytogenetic location: 2q23.3.
Variant type: single nucleotide variant.
Coding change: c.21457T>G on transcript NM_001164508.2 (MANE Select); coding-DNA position 21457, T replaced by G.
Protein change: p.Phe7153Val; replaces phenylalanine 7153 with valine.
Molecular consequence: missense variant.
Genome position (GRCh38, 1-based): chr2:151,531,857, A>C on the plus strand (T>G on the coding strand, the complement: NEB is on the minus strand). VCF-style: chr2-151531857-A-C. GRCh37 (hg19) VCF-style: chr2-152388371-A-C.
Other names: c.21457T>G, p.Phe7153Val (NM_001164507.2); c.21562T>G, p.Phe7188Val (NM_001271208.2); c.16354T>G, p.Phe5452Val (NM_004543.5); short protein forms F7188V, F5452V, F7153V.
Identifiers: ClinVar variation 1388950 (VCV001388950.8), dbSNP rs2153501601, ClinGen allele CA348770559.
Genomic context (GRCh38, chr2:151,531,857, plus strand): 5'-TGATTTGTTTGTTGACTTTTGTAGTACGCAGGTGTTCTGGAGTATCCACAATTGAGGTAA[A>C]TTTGTCCTTTGATTTTTCATAGTTTTTCCTGTATTTGATCTAAATTGTGGAAGAGAAGAA-3'
Protein context (NP_001157980.2, residues 7143-7163): RKNYEKSKDK[Phe7153Val]TSIVDTPEHL

ClinVar aggregate classification (germline): Uncertain significance (1 of 4 stars; one submission).

Conditions:
Nemaline myopathy 2 (NEM2). Also called: Nemaline myopathy 2, autosomal recessive. Identifiers: MedGen C1850569, MONDO:0009725, OMIM 256030.

Submission:

Labcorp Genetics (formerly Invitae), Labcorp
Classification: Uncertain significance for Nemaline myopathy 2. Last evaluated: 2021-04-19. Review status: criteria provided, single submitter. Criteria: Invitae Variant Classification Sherloc (09022015). Collection method: clinical testing. Allele origin: germline.
Comment: In summary, the available evidence is currently insufficient to determine the role of this variant in disease. Therefore, it has been classified as a Variant of Uncertain Significance. Algorithms developed to predict the effect of missense changes on protein structure and function are either unavailable or do not agree on the potential impact of this missense change (SIFT: "Deleterious"; PolyPhen-2: "Not Available"; Align-GVGD: "Class C0"). This variant has not been reported in the literature in individuals with NEB-related conditions. This variant is not present in population databases (ExAC no frequency). This sequence change replaces phenylalanine with valine at codon 7188 of the NEB protein (p.Phe7188Val). The phenylalanine residue is moderately conserved and there is a small physicochemical difference between phenylalanine and valine.